The following is an entry in ClinVar:

NM_006412.4(AGPAT2):c.220T>C (p.Tyr74His)

Gene: AGPAT2 (1-acylglycerol-3-phosphate O-acyltransferase 2; minus strand). Cytogenetic location: 9q34.3.
Variant type: single nucleotide variant.
Coding change: c.220T>C on transcript NM_006412.4 (MANE Select); coding-DNA position 220, T replaced by C.
Protein change: p.Tyr74His; replaces tyrosine 74 with histidine.
Molecular consequence: missense variant.
Genome position (GRCh38, 1-based): chr9:136,677,519, A>G on the plus strand (T>C on the coding strand, the complement: AGPAT2 is on the minus strand). VCF-style: chr9-136677519-A-G. GRCh37 (hg19) VCF-style: chr9-139571971-A-G.
Other names: c.220T>C, p.Tyr74His (NM_001012727.2); short protein forms Y74H.
Identifiers: ClinVar variation 1719976 (VCV001719976.5), dbSNP rs767679550, ClinGen allele CA375584020.

ClinVar aggregate classification (germline): Uncertain significance (1 of 4 stars; one submission).

Allele frequency attached by ClinVar (database versions not stated): gnomAD 0.00001.
gnomAD v4.1: 3 of 1,612,856 alleles (0.00019%); highest among the groups gnomAD compares: South Asian, 0.0022%; no homozygotes.

Submission:

Labcorp Genetics (formerly Invitae), Labcorp
Classification: Uncertain significance. Last evaluated: 2022-09-21. Review status: criteria provided, single submitter. Criteria: Invitae Variant Classification Sherloc (09022015). Collection method: clinical testing. Allele origin: germline.
Comment: This sequence change replaces tyrosine, which is neutral and polar, with histidine, which is basic and polar, at codon 74 of the AGPAT2 protein (p.Tyr74His). This variant is not present in population databases (gnomAD no frequency). This variant has not been reported in the literature in individuals affected with AGPAT2-related conditions. Advanced modeling of protein sequence and biophysical properties (such as structural, functional, and spatial information, amino acid conservation, physicochemical variation, residue mobility, and thermodynamic stability) has been performed at Invitae for this missense variant, however the output from this modeling did not meet the statistical confidence thresholds required to predict the impact of this variant on AGPAT2 protein function. In summary, the available evidence is currently insufficient to determine the role of this variant in disease. Therefore, it has been classified as a Variant of Uncertain Significance.